The following is an entry in ClinVar:

NM_007294.4(BRCA1):c.404A>C (p.Lys135Thr)

Gene: BRCA1 (BRCA1 DNA repair associated; minus strand). Cytogenetic location: 17q21.31.
Variant type: single nucleotide variant.
Coding change: c.404A>C on transcript NM_007294.4 (MANE Select); coding-DNA position 404, A replaced by C.
Protein change: p.Lys135Thr; replaces lysine 135 with threonine.
Molecular consequence: missense variant. On other transcripts: non-coding transcript variant (1).
Genome position (GRCh38, 1-based): chr17:43,104,159, T>G on the plus strand (A>C on the coding strand, the complement: BRCA1 is on the minus strand). VCF-style: chr17-43104159-T-G. GRCh37 (hg19) VCF-style: chr17-41256176-T-G.
Other names: c.263A>C, p.Lys88Thr (NM_001407695.1, NM_001407696.1, NM_001407697.1 and 99 more transcripts); c.194A>C, p.Lys65Thr (NM_001407571.1, NM_001407853.1, NM_001407879.1 and 58 more transcripts); c.404A>C, p.Lys135Thr (NM_001407581.1, NM_001407582.1, NM_001407583.1 and 165 more transcripts); c.395A>C, p.Lys132Thr (NM_001407646.1, NM_001407647.1, NM_001408408.1); c.326A>C, p.Lys109Thr (NM_001407653.1, NM_001407654.1, NM_001407655.1 and 21 more transcripts); c.23A>C, p.Lys8Thr (NM_001407959.1, NM_001407960.1, NM_001407962.1 and 4 more transcripts); c.272A>C, p.Lys91Thr (NM_001408451.1); short protein forms K88T, K135T, K109T, K65T, K132T, K8T, K91T.
Identifiers: ClinVar variation 1047505 (VCV001047505.13), dbSNP rs2054623660, ClinGen allele CA10601338.
Genomic context (GRCh38, chr17:43,104,159, plus strand): 5'-AAGAAGAAAACAAATGGTTTTACCAAGGAAGGATTTTCGGGTTCACTCTGTAGAAGTCTT[T>G]TGGCACGGTTTCTGTAGCCCATACTTTGGATGATAGAAACTTCATCTTTTAGATGTTCAG-3'
Protein context (NP_009225.1, residues 125-145): IQSMGYRNRA[Lys135Thr]RLLQSEPENP

ClinVar aggregate classification (germline): Uncertain significance (1 of 4 stars; one submission).

Conditions:
Hereditary breast ovarian cancer syndrome. Also called: Hereditary breast and/or ovarian cancer syndrome; Hereditary breast and ovarian cancer syndrome; Hereditary breast and ovarian cancer syndrome (HBOC); Breast and ovarian cancer; Hereditary breast and ovarian cancer; BRCA1- and BRCA2-Associated Hereditary Breast and Ovarian Cancer. Identifiers: Orphanet 145, MedGen C0677776, MeSH D061325, MONDO:0003582. Disease mechanism: loss of function.

Submission:

Labcorp Genetics (formerly Invitae), Labcorp
Classification: Uncertain significance for Hereditary breast ovarian cancer syndrome. Last evaluated: 2020-02-25. Review status: criteria provided, single submitter. Criteria: Invitae Variant Classification Sherloc (09022015). Collection method: clinical testing. Allele origin: germline.
Comment: In summary, the available evidence is currently insufficient to determine the role of this variant in disease. Therefore, it has been classified as a Variant of Uncertain Significance. Algorithms developed to predict the effect of missense changes on protein structure and function are either unavailable or do not agree on the potential impact of this missense change (SIFT: "Deleterious"; PolyPhen-2: "Possibly Damaging"; Align-GVGD: "Class C0"). This variant has not been reported in the literature in individuals with BRCA1-related conditions. This variant is not present in population databases (ExAC no frequency). This sequence change replaces lysine with threonine at codon 135 of the BRCA1 protein (p.Lys135Thr). The lysine residue is moderately conserved and there is a moderate physicochemical difference between lysine and threonine.